The following is an entry in ClinVar:

ClinVar aggregate classification (germline): Conflicting classifications of pathogenicity. Review status: criteria provided, conflicting classifications (1 of 4 stars). 5 submissions from 5 submitters: Pathogenic (1); Likely pathogenic (1); Uncertain significance (3). Last evaluated 2024-12-10.

Conditions:
Hereditary cancer-predisposing syndrome. Also called: Hereditary Cancer Syndrome; Neoplastic Syndromes, Hereditary; Tumor predisposition; Hereditary neoplastic syndrome. Identifiers: Orphanet 140162, MedGen C0027672, MeSH D009386, MONDO:0015356.
Fanconi anemia complementation group O. Also called: RAD51C-Related Fanconi Anemia. Identifiers: Orphanet 84, MedGen C3150653, MONDO:0013248, OMIM 613390.
Breast-ovarian cancer, familial, susceptibility to, 3. Also called: RAD51C-Related Breast/Ovarian Cancer. Identifiers: Orphanet 145, MedGen C3150659, MONDO:0013253, OMIM 613399.

Submissions (5):

Institute of Human Genetics, University of Leipzig Medical Center
Classification: Pathogenic for Breast-ovarian cancer, familial, susceptibility to, 3. Last evaluated: 2024-12-10. Review status: criteria provided, single submitter. Criteria: ACMG Guidelines, 2015. Collection method: clinical testing. Allele origin: unknown. Inheritance: Autosomal dominant inheritance. Affected: yes.
Comment: Criteria applied: PVS1,PM2

Ambry Genetics
Classification: Likely pathogenic for Hereditary cancer-predisposing syndrome. Last evaluated: 2022-08-29. Review status: criteria provided, single submitter. Criteria: Ambry Variant Classification Scheme 2023. Collection method: clinical testing. Allele origin: germline.
Comment: The c.572-3C>G intronic variant results from a C to G substitution 3 nucleotides upstream from coding exon 4 in the RAD51C gene. This nucleotide position is well conserved in available vertebrate species. In silico splice site analysis predicts that this alteration will weaken the native splice acceptor site. RNA studies have demonstrated that this alteration results in abnormal splicing in the set of samples tested (Ambry internal data). This variant is considered to be rare based on population cohorts in the Genome Aggregation Database (gnomAD). Based on the majority of available evidence to date, this variant is likely to be pathogenic.

Institute for Clinical Genetics, University Hospital TU Dresden, University Hospital TU Dresden
Classification: Uncertain significance. Last evaluated: 2021-11-03. Review status: criteria provided, single submitter. Criteria: ACMG Guidelines, 2015. Collection method: clinical testing. Allele origin: germline.

Labcorp Genetics (formerly Invitae), Labcorp
Classification: Uncertain significance for Fanconi anemia complementation group O. Last evaluated: 2021-03-13. Review status: criteria provided, single submitter. Criteria: Invitae Variant Classification Sherloc (09022015). Collection method: clinical testing. Allele origin: germline.
Comment: In summary, the available evidence is currently insufficient to determine the role of this variant in disease. Therefore, it has been classified as a Variant of Uncertain Significance. Nucleotide substitutions within the consensus splice site are a relatively common cause of aberrant splicing (PMID: 17576681, 9536098). Algorithms developed to predict the effect of sequence changes on RNA splicing suggest that this variant may disrupt the consensus splice site, but this prediction has not been confirmed by published transcriptional studies. This variant has not been reported in the literature in individuals with RAD51C-related conditions. ClinVar contains an entry for this variant (Variation ID: 633386). This variant is not present in population databases (ExAC no frequency). This sequence change falls in intron 3 of the RAD51C gene. It does not directly change the encoded amino acid sequence of the RAD51C protein, but it affects a nucleotide within the consensus splice site of the intron.

Women's Health and Genetics/Laboratory Corporation of America, LabCorp
Classification: Uncertain significance. Last evaluated: 2018-05-18. Review status: criteria provided, single submitter. Criteria: LabCorp Variant Classification Summary - May 2015. Collection method: clinical testing. Allele origin: germline.
Comment: Variant summary: RAD51C c.572-3C>G alters a conserved nucleotide located close to a canonical splice site and therefore could affect mRNA splicing, leading to a significantly altered protein sequence. Two of five splice prediction tools predict the variant to abolish a 3' splice site. However, these predictions have yet to be assessed by functional studies. The variant was absent in 246010 control chromosomes. The available data on variant occurrences in the general population are insufficient to allow any conclusion about variant significance. To our knowledge, no occurrence of c.572-3C>G in individuals affected with Hereditary Breast and Ovarian Cancer and no experimental evidence demonstrating its impact on protein function have been reported. No clinical diagnostic laboratories have submitted clinical-significance assessments for this variant to ClinVar after 2014. Based on the evidence outlined above, the variant was classified as uncertain significance.

Literature cited by the submitters: PubMed 17576681 (cited by Labcorp Genetics (formerly Invitae), Labcorp); PubMed 9536098 (cited by Labcorp Genetics (formerly Invitae), Labcorp).

NM_058216.3(RAD51C):c.572-3C>G

Gene: RAD51C (RAD51 paralog C; plus strand). Cytogenetic location: 17q22.
Variant type: single nucleotide variant.
Coding change: c.572-3C>G on transcript NM_058216.3 (MANE Select); 3 bases into the intron before coding-DNA position 572, C replaced by G.
Molecular consequence: intron variant.
Genome position (GRCh38, 1-based): chr17:58,703,193, C>G. VCF-style: chr17-58703193-C-G. GRCh37 (hg19) VCF-style: chr17-56780554-C-G.
Other names: c.572-3C>G (LRG_314t1).
Identifiers: ClinVar variation 633386 (VCV000633386.18), dbSNP rs1567794089, ClinGen allele CA913190898.